The following is an entry in ClinVar:

NM_002098.6(GUCA1B):c.24GGAGGC[3] (p.9EA[3])

Gene: GUCA1B (guanylate cyclase activator 1B; minus strand). Cytogenetic location: 6p21.1.
Variant type: Microsatellite.
Coding change: c.24GGAGGC[3] on transcript NM_002098.6 (MANE Select); three copies in a row of the 6-base unit GGAGGC starting at c.24; the reference has two copies in a row; one copy, 6 bases duplicated.
Protein change: p.9EA[3].
Molecular consequence: inframe insertion.
Genome position (GRCh38, 1-based): chr6:42,194,786-42,194,791, GCCTCC duplicated on the plus strand (GGAGGC on the coding strand, the reverse complement: GUCA1B is on the minus strand); duplicating any 6 consecutive bases within chr6:42,194,786-42,194,797 gives the same sequence; the position shown is the placement nearest the transcript's 3' end. VCF-style (leftmost placement, unchanged base first): chr6-42194785-T-TGCCTCC. GRCh37 (hg19) VCF-style: chr6-42162523-T-TGCCTCC.
Identifiers: ClinVar variation 1422920 (VCV001422920.8), dbSNP rs2113849791, ClinGen allele CA2580614876.

ClinVar aggregate classification (germline): Uncertain significance (1 of 4 stars; one submission).

Submission:

Labcorp Genetics (formerly Invitae), Labcorp
Classification: Uncertain significance. Last evaluated: 2022-06-27. Review status: criteria provided, single submitter. Criteria: Invitae Variant Classification Sherloc (09022015). Collection method: clinical testing. Allele origin: germline.
Comment: In summary, the available evidence is currently insufficient to determine the role of this variant in disease. Therefore, it has been classified as a Variant of Uncertain Significance. Experimental studies and prediction algorithms are not available or were not evaluated, and the functional significance of this variant is currently unknown. This variant has not been reported in the literature in individuals affected with GUCA1B-related conditions. This variant is not present in population databases (gnomAD no frequency). This variant, c.30_35dup, results in the insertion of 2 amino acid(s) of the GUCA1B protein (p.Glu11_Ala12dup), but otherwise preserves the integrity of the reading frame.